The following is an entry in ClinVar:

NM_018089.3(ANKZF1):c.1967A>C (p.Glu656Ala)

Gene: ANKZF1 (ankyrin repeat and zinc finger peptidyl tRNA hydrolase 1; plus strand). Cytogenetic location: 2q35.
Variant type: single nucleotide variant.
Coding change: c.1967A>C on transcript NM_018089.3 (MANE Select); coding-DNA position 1967, A replaced by C.
Protein change: p.Glu656Ala; replaces glutamic acid 656 with alanine.
Molecular consequence: missense variant.
Genome position (GRCh38, 1-based): chr2:219,235,871, A>C. VCF-style: chr2-219235871-A-C. GRCh37 (hg19) VCF-style: chr2-220100593-A-C.
Other names: c.1967A>C, p.Glu656Ala (NM_001042410.2); c.1337A>C, p.Glu446Ala (NM_001282792.2); short protein forms E446A, E656A.
Identifiers: ClinVar variation 3721677 (VCV003721677.2).

ClinVar aggregate classification (germline): Uncertain significance (1 of 4 stars; one submission).

Submission:

Labcorp Genetics (formerly Invitae), Labcorp
Classification: Uncertain significance. Last evaluated: 2024-09-27. Review status: criteria provided, single submitter. Criteria: Invitae Variant Classification Sherloc (09022015). Collection method: clinical testing. Allele origin: germline.
Comment: This sequence change replaces glutamic acid, which is acidic and polar, with alanine, which is neutral and non-polar, at codon 656 of the ANKZF1 protein (p.Glu656Ala). This variant is not present in population databases (gnomAD no frequency). This variant has not been reported in the literature in individuals affected with ANKZF1-related conditions. An algorithm developed to predict the effect of missense changes on protein structure and function (PolyPhen-2) suggests that this variant is likely to be disruptive. In summary, the available evidence is currently insufficient to determine the role of this variant in disease. Therefore, it has been classified as a Variant of Uncertain Significance.